The following is an entry in ClinVar:

NM_001127208.3(TET2):c.479T>A (p.Val160Asp)

Genes: TET2 (tet methylcytosine dioxygenase 2; plus strand), TET2-AS1 (TET2 antisense RNA 1; minus strand). Cytogenetic location: 4q24.
Variant type: single nucleotide variant.
Coding change: c.479T>A on transcript NM_001127208.3 (MANE Select); coding-DNA position 479, T replaced by A.
Protein change: p.Val160Asp; replaces valine 160 with aspartic acid.
Molecular consequence: missense variant.
Genome position (GRCh38, 1-based): chr4:105,234,421, T>A. VCF-style: chr4-105234421-T-A. GRCh37 (hg19) VCF-style: chr4-106155578-T-A.
Other names: c.479T>A, p.Val160Asp (NM_017628.4); short protein forms V160D.
Identifiers: ClinVar variation 3455305 (VCV003455305.1).

ClinVar aggregate classification (germline): Uncertain significance (1 of 4 stars; one submission).

gnomAD v4.1: 2 of 1,613,966 alleles (0.00012%); highest among the groups gnomAD compares: Non-Finnish European, 0.00017%; no homozygotes.

Submission:

Ambry Genetics
Classification: Uncertain significance. Last evaluated: 2024-11-21. Review status: criteria provided, single submitter. Criteria: Ambry Variant Classification Scheme 2023. Collection method: clinical testing. Allele origin: germline.
Comment: The p.V160D variant (also known as c.479T>A), located in coding exon 1 of the TET2 gene, results from a T to A substitution at nucleotide position 479. The valine at codon 160 is replaced by aspartic acid, an amino acid with highly dissimilar properties. This amino acid position is conserved. In addition, this alteration is predicted to be tolerated by in silico analysis. Based on the available evidence, the clinical significance of this variant remains unclear.